The following is an entry in ClinVar:

ClinVar aggregate classification (germline): Pathogenic (1 of 4 stars; one submission).

Submission:

Labcorp Genetics (formerly Invitae), Labcorp
Classification: Pathogenic. Last evaluated: 2026-01-15. Review status: criteria provided, single submitter. Criteria: Invitae Variant Classification Sherloc (09022015). Collection method: clinical testing. Allele origin: germline.
Comment: This sequence change replaces aspartic acid, which is acidic and polar, with glutamic acid, which is acidic and polar, at codon 1147 of the CHD4 protein (p.Asp1147Glu). This variant is not present in population databases (gnomAD no frequency). This missense change has been observed in individual(s) with clinical features of Sifrim-Hitz-Weiss syndrome (PMID: 31388190; internal data). In at least one individual the variant was observed to be de novo. ClinVar contains an entry for this variant (Variation ID: 1067691). Invitae Evidence Modeling of protein sequence and biophysical properties (such as structural, functional, and spatial information, amino acid conservation, physicochemical variation, residue mobility, and thermodynamic stability) indicates that this missense variant is expected to disrupt CHD4 protein function with a positive predictive value of 80%. For these reasons, this variant has been classified as Pathogenic.

Literature cited by the submitters: PubMed 31388190.

NM_001273.5(CHD4):c.3441C>G (p.Asp1147Glu)

Gene: CHD4 (chromodomain helicase DNA binding protein 4; minus strand). Cytogenetic location: 12p13.31.
Variant type: single nucleotide variant.
Coding change: c.3441C>G on transcript NM_001273.5 (MANE Select); coding-DNA position 3441, C replaced by G.
Protein change: p.Asp1147Glu; replaces aspartic acid 1147 with glutamic acid.
Molecular consequence: missense variant.
Genome position (GRCh38, 1-based): chr12:6,588,322, G>C on the plus strand (C>G on the coding strand, the complement: CHD4 is on the minus strand). VCF-style: chr12-6588322-G-C. GRCh37 (hg19) VCF-style: chr12-6697488-G-C.
Other names: c.3420C>G, p.Asp1140Glu (NM_001297553.2); c.3402C>G, p.Asp1134Glu (NM_001363606.2); short protein forms D1134E, D1140E, D1147E.
Identifiers: ClinVar variation 1067691 (VCV001067691.9), dbSNP rs2136209729, ClinGen allele CA383582646.